The following is an entry in ClinVar:

NM_001378120.1(MBD5):c.2303T>A (p.Phe768Tyr)

Gene: MBD5 (methyl-CpG binding domain protein 5; plus strand). Cytogenetic location: 2q23.1.
Variant type: single nucleotide variant.
Coding change: c.2303T>A on transcript NM_001378120.1 (MANE Select); coding-DNA position 2303, T replaced by A.
Protein change: p.Phe768Tyr; replaces phenylalanine 768 with tyrosine.
Molecular consequence: missense variant.
Genome position (GRCh38, 1-based): chr2:148,470,246, T>A. VCF-style: chr2-148470246-T-A. GRCh37 (hg19) VCF-style: chr2-149227815-T-A.
Other names: c.2303T>A, p.Phe768Tyr (NM_018328.5); short protein forms F768Y.
Identifiers: ClinVar variation 3346208 (VCV003346208.1).

ClinVar aggregate classification (germline): Uncertain significance (0 of 4 stars; one submission).

Conditions:
MBD5-related disorder. Also called: MBD5-related condition.

Submission:

PreventionGenetics, part of Exact Sciences
Classification: Uncertain significance for MBD5-related condition. Last evaluated: 2024-06-19. Review status: no assertion criteria provided. Collection method: clinical testing. Allele origin: germline.
Comment: The MBD5 c.2303T>A variant is predicted to result in the amino acid substitution p.Phe768Tyr. To our knowledge, this variant has not been reported in the literature or in a large population database, indicating this variant is rare. At this time, the clinical significance of this variant is uncertain due to the absence of conclusive functional and genetic evidence.